The following is an entry in ClinVar:

NM_001267550.2(TTN):c.61943T>G (p.Val20648Gly)

Genes: TTN (titin; minus strand), TTN-AS1 (TTN antisense RNA 1; plus strand). Cytogenetic location: 2q31.2.
Variant type: single nucleotide variant.
Coding change: c.61943T>G on transcript NM_001267550.2 (MANE Select); coding-DNA position 61943, T replaced by G.
Protein change: p.Val20648Gly; replaces valine 20648 with glycine.
Molecular consequence: missense variant.
Genome position (GRCh38, 1-based): chr2:178,589,782, A>C on the plus strand (T>G on the coding strand, the complement: TTN is on the minus strand). VCF-style: chr2-178589782-A-C. GRCh37 (hg19) VCF-style: chr2-179454509-A-C.
Other names: c.57020T>G, p.Val19007Gly (NM_001256850.1); c.34748T>G, p.Val11583Gly (NM_003319.4); c.54239T>G, p.Val18080Gly (NM_133378.4); c.35123T>G, p.Val11708Gly (NM_133432.3); c.35324T>G, p.Val11775Gly (NM_133437.4); short protein forms V11583G, V11708G, V19007G, V18080G, V11775G, V20648G.
Identifiers: ClinVar variation 682314 (VCV000682314.1), dbSNP rs1576076651, ClinGen allele CA349467173.

ClinVar aggregate classification (germline): Likely benign (1 of 4 stars; one submission).

Allele frequency attached by ClinVar (database versions not stated): gnomAD exomes below 0.00001.
gnomAD v4.1: 1 of 1,613,524 alleles (0.000062%); highest among the groups gnomAD compares: Non-Finnish European, 0.000085%; no homozygotes.

Submission:

GeneDx
Classification: Likely benign. Last evaluated: 2018-04-27. Review status: criteria provided, single submitter. Criteria: GeneDx Variant Classification (06012015). Collection method: clinical testing. Allele origin: germline. Affected: yes.
Comment: This variant is considered likely benign or benign based on one or more of the following criteria: it is a conservative change, it occurs at a poorly conserved position in the protein, it is predicted to be benign by multiple in silico algorithms, and/or has population frequency not consistent with disease.